The following is an entry in ClinVar:

NM_002335.4(LRP5):c.182G>T (p.Gly61Val)

Gene: LRP5 (LDL receptor related protein 5; plus strand). Cytogenetic location: 11q13.2.
Variant type: single nucleotide variant.
Coding change: c.182G>T on transcript NM_002335.4 (MANE Select); coding-DNA position 182, G replaced by T.
Protein change: p.Gly61Val; replaces glycine 61 with valine.
Molecular consequence: missense variant. On other transcripts: 5 prime UTR variant (1).
Genome position (GRCh38, 1-based): chr11:68,347,937, G>T. VCF-style: chr11-68347937-G-T. GRCh37 (hg19) VCF-style: chr11-68115405-G-T.
Other names: c.-1584G>T (NM_001291902.2); short protein forms G61V.
Identifiers: ClinVar variation 1351174 (VCV001351174.8), dbSNP rs1368857613, ClinGen allele CA381610232.

ClinVar aggregate classification (germline): Uncertain significance (1 of 4 stars; one submission).

gnomAD v4.1: 3 of 1,613,954 alleles (0.00019%); highest among the groups gnomAD compares: Non-Finnish European, 0.00025%; no homozygotes.

Submission:

Labcorp Genetics (formerly Invitae), Labcorp
Classification: Uncertain significance. Last evaluated: 2022-10-05. Review status: criteria provided, single submitter. Criteria: Invitae Variant Classification Sherloc (09022015). Collection method: clinical testing. Allele origin: germline.
Comment: Advanced modeling of protein sequence and biophysical properties (such as structural, functional, and spatial information, amino acid conservation, physicochemical variation, residue mobility, and thermodynamic stability) has been performed at Invitae for this missense variant, however the output from this modeling did not meet the statistical confidence thresholds required to predict the impact of this variant on LRP5 protein function. In summary, the available evidence is currently insufficient to determine the role of this variant in disease. Therefore, it has been classified as a Variant of Uncertain Significance. ClinVar contains an entry for this variant (Variation ID: 1351174). This variant has not been reported in the literature in individuals affected with LRP5-related conditions. This variant is not present in population databases (gnomAD no frequency). This sequence change replaces glycine, which is neutral and non-polar, with valine, which is neutral and non-polar, at codon 61 of the LRP5 protein (p.Gly61Val).